The following is an entry in ClinVar:

ClinVar aggregate classification (germline): Likely benign (1 of 4 stars; one submission).

Allele frequency attached by ClinVar (database versions not stated): 1000 Genomes Project 30x 0.01359; 1000 Genomes Project 0.01418; TOPMed 0.02375; gnomAD 0.02399.
gnomAD v4.1: 3,591 of 152,212 alleles (2.4%); highest among the groups gnomAD compares: Admixed American, 3.7%; 55 homozygotes.

Submission:

GeneDx
Classification: Likely benign. Last evaluated: 2018-06-15. Review status: criteria provided, single submitter. Criteria: GeneDx Variant Classification (06012015). Collection method: clinical testing. Allele origin: germline. Affected: yes.
Comment: This variant is considered likely benign or benign based on one or more of the following criteria: it is a conservative change, it occurs at a poorly conserved position in the protein, it is predicted to be benign by multiple in silico algorithms, and/or has population frequency not consistent with disease.

NM_007194.4(CHEK2):c.1095+163G>A

Gene: CHEK2 (checkpoint kinase 2; minus strand). Cytogenetic location: 22q12.1.
Variant type: single nucleotide variant.
Coding change: c.1095+163G>A on transcript NM_007194.4 (MANE Select); 163 bases into the intron after coding-DNA position 1095, G replaced by A.
Molecular consequence: intron variant.
Genome position (GRCh38, 1-based): chr22:28,696,738, C>T on the plus strand (G>A on the coding strand, the complement: CHEK2 is on the minus strand). VCF-style: chr22-28696738-C-T. GRCh37 (hg19) VCF-style: chr22-29092726-C-T.
Other names: c.432+163G>A (NM_001437942.1, NM_001257387.3); c.894+163G>A (NM_001349956.3); c.1009-865G>A (NM_145862.3); c.1102-865G>A (NM_001438295.1); c.1188+163G>A (NM_001438293.1); c.1138-865G>A (NM_001438294.1); c.1224+163G>A (NM_001005735.3).
Identifiers: ClinVar variation 677560 (VCV000677560.1), dbSNP rs117188004, ClinGen allele CA323006620.